The following is an entry in ClinVar:

NM_022068.3(PIEZO2):c.287delG

Gene: PIEZO2 (piezo type mechanosensitive ion channel component 2; minus strand). Cytogenetic location: 18p11.21.
Variant type: Deletion.
Coding change: c.287delG on transcript NM_022068.3; coding-DNA position 287, one base deleted (G).
Genome position (GRCh38, 1-based): chr18:10,911,228, C deleted on the plus strand (G on the coding strand, the reverse complement: PIEZO2 is on the minus strand); the first of 2 consecutive C bases (chr18:10,911,228-10,911,229); deleting either gives the same sequence. VCF-style (leftmost placement, unchanged base first): chr18-10911227-GC-G. GRCh37 (hg19) VCF-style: chr18-10911225-GC-G.
Identifiers: ClinVar variation 3029466 (VCV003029466.2), dbSNP rs2510257285, ClinGen allele CA2740093966.

ClinVar aggregate classification (germline): Likely pathogenic (0 of 4 stars; one submission).

Conditions:
PIEZO2-related disorder. Also called: PIEZO2-related disorders; PIEZO2-related condition.

Submission:

PreventionGenetics, part of Exact Sciences
Classification: Likely pathogenic for PIEZO2-related condition. Last evaluated: 2024-02-21. Review status: no assertion criteria provided. Collection method: clinical testing. Allele origin: germline.
Comment: The PIEZO2 c.287delG variant is predicted to result in a frameshift and premature protein termination (p.Cys96Serfs*16). To our knowledge, this variant has not been reported in the literature or in a large population database, indicating this variant is rare. Frameshift variants in PIEZO2 are expected to be pathogenic. This variant is interpreted as likely pathogenic.